The following is an entry in ClinVar:

ClinVar aggregate classification (germline): Uncertain significance (1 of 4 stars; one submission).

Conditions:
MHC class II deficiency. Also called: Bare lymphocyte syndrome 2; BLS, TYPE II. Identifiers: Orphanet 572, MedGen C5447452, MONDO:0008855.

Submission:

Labcorp Genetics (formerly Invitae), Labcorp
Classification: Uncertain significance for MHC class II deficiency. Last evaluated: 2022-05-29. Review status: criteria provided, single submitter. Criteria: Invitae Variant Classification Sherloc (09022015). Collection method: clinical testing. Allele origin: germline.
Comment: In summary, the available evidence is currently insufficient to determine the role of this variant in disease. Therefore, it has been classified as a Variant of Uncertain Significance. This sequence change replaces lysine, which is basic and polar, with glutamic acid, which is acidic and polar, at codon 582 of the RFX5 protein (p.Lys582Glu). This variant is not present in population databases (gnomAD no frequency). This variant has not been reported in the literature in individuals affected with RFX5-related conditions. Algorithms developed to predict the effect of missense changes on protein structure and function output the following: SIFT: "Tolerated"; PolyPhen-2: "Benign"; Align-GVGD: "Class C0". The glutamic acid amino acid residue is found in multiple mammalian species, which suggests that this missense change does not adversely affect protein function.

NM_001025603.2(RFX5):c.1744A>G (p.Lys582Glu)

Gene: RFX5 (regulatory factor X5; minus strand). Cytogenetic location: 1q21.3.
Variant type: single nucleotide variant.
Coding change: c.1744A>G on transcript NM_001025603.2 (MANE Select); coding-DNA position 1744, A replaced by G.
Protein change: p.Lys582Glu; replaces lysine 582 with glutamic acid.
Molecular consequence: missense variant.
Genome position (GRCh38, 1-based): chr1:151,342,293, T>C on the plus strand (A>G on the coding strand, the complement: RFX5 is on the minus strand). VCF-style: chr1-151342293-T-C. GRCh37 (hg19) VCF-style: chr1-151314769-T-C.
Other names: c.1744A>G, p.Lys582Glu (NM_000449.4, NM_001379412.1, NM_001379413.1 and 5 more transcripts); c.1624A>G, p.Lys542Glu (NM_001379419.1, NM_001379420.1); short protein forms K582E, K542E.
Identifiers: ClinVar variation 2000709 (VCV002000709.4), dbSNP rs2529012959, ClinGen allele CA341923710.